The following is an entry in ClinVar:

NM_177924.5(ASAH1):c.36G>A (p.Leu12=)

Gene: ASAH1 (N-acylsphingosine amidohydrolase 1; minus strand). Cytogenetic location: 8p22.
Variant type: single nucleotide variant.
Coding change: c.36G>A on transcript NM_177924.5 (MANE Select); coding-DNA position 36, G replaced by A.
Protein change: p.Leu12=; no amino-acid change (leucine 12 retained).
Molecular consequence: synonymous variant. On other transcripts: intron variant (2).
Genome position (GRCh38, 1-based): chr8:18,084,023, C>T on the plus strand (G>A on the coding strand, the complement: ASAH1 is on the minus strand). VCF-style: chr8-18084023-C-T. GRCh37 (hg19) VCF-style: chr8-17941532-C-T.
Other names: c.36G>A (NM_177924.4); c.126+653G>A (NM_004315.6, NM_001127505.3).
Identifiers: ClinVar variation 1176878 (VCV001176878.42), dbSNP rs762489080, ClinGen allele CA4651128.

ClinVar aggregate classification (germline): Likely benign. Review status: criteria provided, multiple submitters, no conflicts (2 of 4 stars). 4 submissions from 4 submitters: Likely benign (3). 1 of the submissions does not count toward it. Last evaluated 2025-11-18.

Conditions:
ASAH1-related disorders. Also called: ASAH1-related condition; ASAH1-related disorder. Identifiers: MedGen CN376120, MONDO:0800460.

gnomAD v4.1: 12 of 1,598,578 alleles (0.00075%); highest among the groups gnomAD compares: African/African-American, 0.0013%; no homozygotes.

Submissions (4):

Labcorp Genetics (formerly Invitae), Labcorp
Classification: Likely benign. Last evaluated: 2025-11-18. Review status: criteria provided, single submitter. Criteria: Invitae Variant Classification Sherloc (09022015). Collection method: clinical testing. Allele origin: germline.

Blueprint Genetics
Classification: Likely benign. Last evaluated: 2022-10-31. Review status: criteria provided, single submitter. Criteria: ACMG Guidelines, 2015. Collection method: clinical testing. Allele origin: germline.

CeGaT Center for Human Genetics Tuebingen
Classification: Likely benign. Last evaluated: 2022-03-01. Review status: criteria provided, single submitter. Criteria: CeGaT Center For Human Genetics Tuebingen Variant Classification Criteria Version 2. Collection method: clinical testing. Allele origin: germline. Affected: yes. Observed: 2 variant alleles.
Comment: ASAH1: BP4, BP7

PreventionGenetics, part of Exact Sciences
Classification: Likely benign for ASAH1-related condition. Last evaluated: 2019-02-27. Review status: no assertion criteria provided. Collection method: clinical testing. Allele origin: germline. Not counted in ClinVar's aggregate classification.
Comment: This variant is classified as likely benign based on ACMG/AMP sequence variant interpretation guidelines (Richards et al. 2015 PMID: 25741868, with internal and published modifications).